The following is an entry in ClinVar:

ClinVar aggregate classification (germline): Pathogenic. Review status: reviewed by expert panel (3 of 4 stars). 7 submissions from 7 submitters: Pathogenic (1). 6 of the submissions do not count toward it. Last evaluated 2016-09-08.

Conditions:
Hereditary breast ovarian cancer syndrome. Also called: Hereditary breast and ovarian cancer syndrome; Hereditary breast and ovarian cancer; Hereditary breast and ovarian cancer syndrome (HBOC); Breast and ovarian cancer; Hereditary breast and/or ovarian cancer syndrome; BRCA1- and BRCA2-Associated Hereditary Breast and Ovarian Cancer. Identifiers: Orphanet 145, MedGen C0677776, MeSH D061325, MONDO:0003582. Disease mechanism: loss of function.
Hereditary cancer-predisposing syndrome. Also called: Neoplastic Syndromes, Hereditary; Tumor predisposition; Hereditary neoplastic syndrome; Hereditary Cancer Syndrome. Identifiers: Orphanet 140162, MedGen C0027672, MeSH D009386, MONDO:0015356.
Breast-ovarian cancer, familial, susceptibility to, 2 (BROVCA2). Also called: BRCA2 Hereditary Breast and Ovarian Cancer. Identifiers: Orphanet 145, MedGen C2675520, MONDO:0012933, OMIM 612555. Disease mechanism: loss of function.

Submissions (7):

Evidence-based Network for the Interpretation of Germline Mutant Alleles (ENIGMA)
Classification: Pathogenic for Breast-ovarian cancer, familial, susceptibility to, 2. Last evaluated: 2016-09-08. Review status: reviewed by expert panel. Criteria: ENIGMA BRCA1/2 Classification Criteria (2015). Collection method: curation. Allele origin: germline.
Comment: Variant allele predicted to encode a truncated non-functional protein.

Labcorp Genetics (formerly Invitae), Labcorp
Classification: Pathogenic for Hereditary breast ovarian cancer syndrome. Last evaluated: 2024-03-09. Review status: criteria provided, single submitter. Criteria: Invitae Variant Classification Sherloc (09022015). Collection method: clinical testing. Allele origin: germline. Not counted in ClinVar's aggregate classification.
Comment: This sequence change creates a premature translational stop signal (p.Trp2990*) in the BRCA2 gene. It is expected to result in an absent or disrupted protein product. Loss-of-function variants in BRCA2 are known to be pathogenic (PMID: 20104584). This variant is not present in population databases (gnomAD no frequency). This premature translational stop signal has been observed in individual(s) with a personal and/or family history of breast and/or ovarian cancer (PMID: 28724667, 29446198, 30702160). ClinVar contains an entry for this variant (Variation ID: 52716). For these reasons, this variant has been classified as Pathogenic.

Women's Health and Genetics/Laboratory Corporation of America, LabCorp
Classification: Pathogenic for Hereditary breast ovarian cancer syndrome. Last evaluated: 2022-04-24. Review status: criteria provided, single submitter. Criteria: LabCorp Variant Classification Summary - May 2015. Collection method: clinical testing. Allele origin: germline. Not counted in ClinVar's aggregate classification.
Comment: Variant summary: BRCA2 c.8970G>A (p.Trp2990X) results in a premature termination codon, predicted to cause a truncation of the encoded protein or absence of the protein due to nonsense mediated decay, which are commonly known mechanisms for disease. The variant was absent in 250750 control chromosomes. c.8970G>A has been reported in the literature in individuals affected with Hereditary Breast And Ovarian Cancer Syndrome (example, Rebbeck_2018). These data indicate that the variant is likely to be associated with disease. Three clinical diagnostic laboratories, an expert panel (ENIGMA) and a consortium (CIMBA) have submitted clinical-significance assessments for this variant to ClinVar after 2014. All submitters classified the variant as pathogenic. Based on the evidence outlined above, the variant was classified as pathogenic.

GeneDx
Classification: Pathogenic. Last evaluated: 2018-01-31. Review status: criteria provided, single submitter. Criteria: GeneDx Variant Classification (06012015). Collection method: clinical testing. Allele origin: germline. Affected: yes. Not counted in ClinVar's aggregate classification.
Comment: This variant is denoted BRCA2 c.8970G>A at the cDNA level and p.Trp2990Ter (W2990X) at the protein level. The substitution creates a nonsense variant, which changes a Tryptophan to a premature stop codon (TGG>TGA), and is predicted to cause loss of normal protein function through either protein truncation or nonsense-mediated mRNA decay. Although this variant has not been reported in the literature to our knowledge, an alternate nucleotide change that causes the same protein truncation, 8969>A, was observed in breast cancer patient (Ellingson 2015). Based on currently available evidence, we consider this variant to be pathogenic.

Ambry Genetics
Classification: Pathogenic for Hereditary cancer-predisposing syndrome. Last evaluated: 2017-02-16. Review status: criteria provided, single submitter. Criteria: Ambry Variant Classification Scheme 2023. Collection method: clinical testing. Allele origin: germline. Not counted in ClinVar's aggregate classification.
Comment: The p.W2990* pathogenic mutation (also known as c.8970G>A), located in coding exon 22 of the BRCA2 gene, results from a G to A substitution at nucleotide position 8970. This changes the amino acid from a tryptophan to a stop codon within coding exon 22. This alteration is expected to result in loss of function by premature protein truncation or nonsense-mediated mRNA decay. As such, this alteration is interpreted as a disease-causing mutation.

Consortium of Investigators of Modifiers of BRCA1/2 (CIMBA), c/o University of Cambridge
Classification: Pathogenic for Breast-ovarian cancer, familial, susceptibility to, 2. Last evaluated: 2015-10-02. Review status: criteria provided, single submitter. Criteria: CIMBA Mutation Classification guidelines May 2016. Collection method: clinical testing. Allele origin: germline. Not counted in ClinVar's aggregate classification.

Breast Cancer Information Core (BIC) (BRCA2)
Classification: Pathogenic for Breast-ovarian cancer, familial 2. Last evaluated: 1998-08-25. Review status: no assertion criteria provided. Collection method: clinical testing. Allele origin: germline. Affected: yes. Observed: 1 variant allele. Not counted in ClinVar's aggregate classification.

Literature cited by the submitters: PubMed 20104584 (cited by Labcorp Genetics (formerly Invitae), Labcorp); PubMed 28724667 (cited by Labcorp Genetics (formerly Invitae), Labcorp); PubMed 29446198 (cited by Labcorp Genetics (formerly Invitae), Labcorp and Women's Health and Genetics/Laboratory Corporation of America, LabCorp); PubMed 30702160 (cited by Labcorp Genetics (formerly Invitae), Labcorp); PubMed 17899372 (cited by Women's Health and Genetics/Laboratory Corporation of America, LabCorp); PubMed 27062684 (cited by Women's Health and Genetics/Laboratory Corporation of America, LabCorp).

NM_000059.4(BRCA2):c.8970G>A (p.Trp2990Ter)

Gene: BRCA2 (BRCA2 DNA repair associated; plus strand). Cytogenetic location: 13q13.1.
Variant type: single nucleotide variant.
Coding change: c.8970G>A on transcript NM_000059.4 (MANE Select); coding-DNA position 8970, G replaced by A.
Protein change: p.Trp2990Ter; replaces tryptophan 2990 with a stop codon.
Molecular consequence: nonsense.
Genome position (GRCh38, 1-based): chr13:32,379,766, G>A. VCF-style: chr13-32379766-G-A. GRCh37 (hg19) VCF-style: chr13-32953903-G-A.
Other names: short protein forms W2990*.
Identifiers: ClinVar variation 52716 (VCV000052716.16), dbSNP rs80359149, ClinGen allele CA025904.